The following is an entry in ClinVar:

NM_006231.4(POLE):c.63-3C>A

Gene: POLE (DNA polymerase epsilon, catalytic subunit; minus strand). Cytogenetic location: 12q24.33.
Variant type: single nucleotide variant.
Coding change: c.63-3C>A on transcript NM_006231.4 (MANE Select); 3 bases into the intron before coding-DNA position 63, C replaced by A.
Molecular consequence: intron variant.
Genome position (GRCh38, 1-based): chr12:132,681,282, G>T on the plus strand (C>A on the coding strand, the complement: POLE is on the minus strand). VCF-style: chr12-132681282-G-T. GRCh37 (hg19) VCF-style: chr12-133257868-G-T.
Identifiers: ClinVar variation 1052685 (VCV001052685.9), dbSNP rs2136035062, ClinGen allele CA2499221561.

ClinVar aggregate classification (germline): Uncertain significance (1 of 4 stars; one submission).

Submission:

Labcorp Genetics (formerly Invitae), Labcorp
Classification: Uncertain significance. Last evaluated: 2022-11-22. Review status: criteria provided, single submitter. Criteria: Invitae Variant Classification Sherloc (09022015). Collection method: clinical testing. Allele origin: germline.
Comment: In summary, the available evidence is currently insufficient to determine the role of this variant in disease. Therefore, it has been classified as a Variant of Uncertain Significance. Variants that disrupt the consensus splice site are a relatively common cause of aberrant splicing (PMID: 17576681, 9536098). Algorithms developed to predict the effect of sequence changes on RNA splicing suggest that this variant may create or strengthen a splice site. ClinVar contains an entry for this variant (Variation ID: 1052685). This variant has not been reported in the literature in individuals affected with POLE-related conditions. This variant is not present in population databases (gnomAD no frequency). This sequence change falls in intron 1 of the POLE gene. It does not directly change the encoded amino acid sequence of the POLE protein. It affects a nucleotide within the consensus splice site.

Literature cited by the submitters: PubMed 17576681; PubMed 9536098.